The following is an entry in ClinVar:

ClinVar aggregate classification (germline): Uncertain significance. Review status: criteria provided, multiple submitters, no conflicts (2 of 4 stars). 4 submissions from 4 submitters: Uncertain significance (3). 1 of the submissions does not count toward it. Last evaluated 2026-06-09.

Conditions:
Retinitis pigmentosa (RP). Identifiers: Orphanet 791, MedGen C0035334, MeSH D012174, MONDO:0019200, OMIM 268000. Inheritance: Autosomal dominant, autosomal recessive and X linked inheritance.
TRPM1-related disorder. Also called: TRPM1-related condition.

Allele frequency attached by ClinVar (database versions not stated): ExAC 0.00005; gnomAD 0.00007; TOPMed 0.00009; 1000 Genomes Project 30x 0.00016; ESP Exome Variant Server 0.00016; 1000 Genomes Project 0.00020.
gnomAD v4.1: 190 of 1,614,018 alleles (0.012%); highest among the groups gnomAD compares: Non-Finnish European, 0.015%; 1 homozygote.

Submissions (4):

PreventionGenetics, part of Exact Sciences
Classification: Uncertain significance for TRPM1-related condition. Last evaluated: 2026-06-09. Review status: criteria provided, single submitter. Criteria: ACMG Guidelines, 2015. Collection method: clinical testing. Allele origin: germline.
Comment: The TRPM1 c.1465C>T variant is predicted to result in the amino acid substitution p.Arg489Trp. This variant can also be denoted as c.1348C>T (p.Arg450Trp) using transcript NM_002420.5. This variant has been reported in the compound heterozygous state in an individual with retinitis pigmentosa (Table S4, Jespersgaard et al. 2019. PubMed ID: 30718709). This variant is present in 0.013% of alleles in individuals of European (Non-Finnish) descent in gnomAD. At this time, the clinical significance of this variant is uncertain due to the absence of conclusive functional and genetic evidence.

Blueprint Genetics
Classification: Uncertain significance. Last evaluated: 2024-08-12. Review status: criteria provided, single submitter. Criteria: ACMG Guidelines, 2015. Collection method: clinical testing. Allele origin: germline.

Labcorp Genetics (formerly Invitae), Labcorp
Classification: Uncertain significance. Last evaluated: 2022-07-23. Review status: criteria provided, single submitter. Criteria: Invitae Variant Classification Sherloc (09022015). Collection method: clinical testing. Allele origin: germline.
Comment: This sequence change replaces arginine, which is basic and polar, with tryptophan, which is neutral and slightly polar, at codon 450 of the TRPM1 protein (p.Arg450Trp). This variant is present in population databases (rs371853965, gnomAD 0.01%). This missense change has been observed in individual(s) with retinitis pigmentosa (PMID: 30718709). ClinVar contains an entry for this variant (Variation ID: 636226). Algorithms developed to predict the effect of missense changes on protein structure and function are either unavailable or do not agree on the potential impact of this missense change (SIFT: "Deleterious"; PolyPhen-2: "Probably Damaging"; Align-GVGD: "Class C0"). In summary, the available evidence is currently insufficient to determine the role of this variant in disease. Therefore, it has been classified as a Variant of Uncertain Significance.

Department of Clinical Genetics, Copenhagen University Hospital, Rigshospitalet
Classification: Uncertain significance for Retinitis pigmentosa. Last evaluated: 2018-04-01. Review status: no assertion criteria provided. Collection method: research. Allele origin: unknown. Affected: yes. Study: VeluxRD. Not counted in ClinVar's aggregate classification.

Literature cited by the submitters: PubMed 30718709 (cited by Labcorp Genetics (formerly Invitae), Labcorp and Department of Clinical Genetics, Copenhagen University Hospital, Rigshospitalet).

NM_001252024.2(TRPM1):c.1414C>T (p.Arg472Trp)

Gene: TRPM1 (transient receptor potential cation channel subfamily M member 1; minus strand). Cytogenetic location: 15q13.3.
Variant type: single nucleotide variant.
Coding change: c.1414C>T on transcript NM_001252024.2 (MANE Select); coding-DNA position 1414, C replaced by T.
Protein change: p.Arg472Trp; replaces arginine 472 with tryptophan.
Molecular consequence: missense variant.
Genome position (GRCh38, 1-based): chr15:31,050,432, G>A on the plus strand (C>T on the coding strand, the complement: TRPM1 is on the minus strand). VCF-style: chr15-31050432-G-A. GRCh37 (hg19) VCF-style: chr15-31342635-G-A.
Other names: c.1465C>T (NM_001252020.1); c.1465C>T, p.Arg489Trp (NM_001252020.2); c.1348C>T, p.Arg450Trp (NM_002420.6); short protein forms R450W, R489W, R472W.
Identifiers: ClinVar variation 636226 (VCV000636226.6), dbSNP rs371853965, ClinGen allele CA7452582.